The following is an entry in ClinVar:

NM_000043.6(FAS):c.66T>C (p.Ser22=)

Gene: FAS (Fas cell surface death receptor; plus strand). Cytogenetic location: 10q23.31.
Variant type: single nucleotide variant.
Coding change: c.66T>C on transcript NM_000043.6 (MANE Select); coding-DNA position 66, T replaced by C.
Protein change: p.Ser22=; no amino-acid change (serine 22 retained).
Molecular consequence: synonymous variant. On other transcripts: non-coding transcript variant (7).
Genome position (GRCh38, 1-based): chr10:89,003,064, T>C. VCF-style: chr10-89003064-T-C. GRCh37 (hg19) VCF-style: chr10-90762821-T-C.
Other names: c.66T>C, p.Ser22= (NM_001320619.2, NM_152871.4, NM_152872.4); c.111T>C, p.Ser37= (NM_001410956.1); c.66T>C (NM_000043.5).
Identifiers: ClinVar variation 2983914 (VCV002983914.4), dbSNP rs1381204725, ClinGen allele CA470728016.

ClinVar aggregate classification (germline): Likely benign. Review status: criteria provided, multiple submitters, no conflicts (2 of 4 stars). 2 submissions from 2 submitters: Likely benign (2). Last evaluated 2026-07-08.

Conditions:
FAS-related disorder. Also called: FAS-related condition.
Autoimmune lymphoproliferative syndrome type 1. Also called: AUTOIMMUNE LYMPHOPROLIFERATIVE SYNDROME, TYPE I, AUTOSOMAL DOMINANT. Identifiers: Orphanet 3261, MedGen C2717884, MONDO:0011158, OMIM 601859.

Allele frequency attached by ClinVar (database versions not stated): TOPMed below 0.00001; gnomAD exomes 0.00001.
gnomAD v4.1: 3 of 1,614,130 alleles (0.00019%); highest among the groups gnomAD compares: Non-Finnish European, 0.00025%; no homozygotes.

Submissions (2):

PreventionGenetics, part of Exact Sciences
Classification: Likely benign for FAS-related condition. Last evaluated: 2026-07-08. Review status: criteria provided, single submitter. Criteria: ACMG Guidelines, 2015. Collection method: clinical testing. Allele origin: germline.
Comment: This variant is classified as likely benign based on ACMG/AMP sequence variant interpretation guidelines (Richards et al. 2015 PMID: 25741868, with internal and published modifications).

Labcorp Genetics (formerly Invitae), Labcorp
Classification: Likely benign for Autoimmune lymphoproliferative syndrome. Last evaluated: 2024-10-03. Review status: criteria provided, single submitter. Criteria: Invitae Variant Classification Sherloc (09022015). Collection method: clinical testing. Allele origin: germline.